The following is an entry in ClinVar:

ClinVar aggregate classification (germline): Uncertain significance. Review status: criteria provided, multiple submitters, no conflicts (2 of 4 stars). 2 submissions from 2 submitters: Uncertain significance (2). Last evaluated 2025-05-31.

Conditions:
Multiple endocrine neoplasia type 4. Also called: MULTIPLE ENDOCRINE NEOPLASIA, TYPE IV. Identifiers: Orphanet 276152, MedGen C1970712, MONDO:0012552, OMIM 610755.
Hereditary cancer-predisposing syndrome. Also called: Hereditary Cancer Syndrome; Hereditary neoplastic syndrome; Neoplastic Syndromes, Hereditary; Tumor predisposition. Identifiers: Orphanet 140162, MedGen C0027672, MeSH D009386, MONDO:0015356.

Submissions (2):

Ambry Genetics
Classification: Uncertain significance for Hereditary cancer-predisposing syndrome. Last evaluated: 2025-05-31. Review status: criteria provided, single submitter. Criteria: Ambry Variant Classification Scheme 2023. Collection method: clinical testing. Allele origin: germline.
Comment: The p.N8Y variant (also known as c.22A>T), located in coding exon 1 of the CDKN1B gene, results from an A to T substitution at nucleotide position 22. The asparagine at codon 8 is replaced by tyrosine, an amino acid with dissimilar properties. This amino acid position is conserved. In addition, the in silico prediction for this alteration is inconclusive. Based on the available evidence, the clinical significance of this variant remains unclear.

Labcorp Genetics (formerly Invitae), Labcorp
Classification: Uncertain significance for Multiple endocrine neoplasia type 4. Last evaluated: 2022-07-21. Review status: criteria provided, single submitter. Criteria: Invitae Variant Classification Sherloc (09022015). Collection method: clinical testing. Allele origin: germline.
Comment: This sequence change replaces asparagine, which is neutral and polar, with tyrosine, which is neutral and polar, at codon 8 of the CDKN1B protein (p.Asn8Tyr). This variant is not present in population databases (gnomAD no frequency). In summary, the available evidence is currently insufficient to determine the role of this variant in disease. Therefore, it has been classified as a Variant of Uncertain Significance. Algorithms developed to predict the effect of missense changes on protein structure and function (SIFT, PolyPhen-2, Align-GVGD) all suggest that this variant is likely to be disruptive. This variant has not been reported in the literature in individuals affected with CDKN1B-related conditions.

NM_004064.5(CDKN1B):c.22A>T (p.Asn8Tyr)

Gene: CDKN1B (cyclin dependent kinase inhibitor 1B; plus strand). Cytogenetic location: 12p13.1.
Variant type: single nucleotide variant.
Coding change: c.22A>T on transcript NM_004064.5 (MANE Select); coding-DNA position 22, A replaced by T.
Protein change: p.Asn8Tyr; replaces asparagine 8 with tyrosine.
Molecular consequence: missense variant.
Genome position (GRCh38, 1-based): chr12:12,717,861, A>T. VCF-style: chr12-12717861-A-T. GRCh37 (hg19) VCF-style: chr12-12870795-A-T.
Other names: c.22A>T (NM_004064.3); short protein forms N8Y.
Identifiers: ClinVar variation 1722272 (VCV001722272.6), dbSNP rs1946485763, ClinGen allele CA383967964.